The following is an entry in ClinVar:

ClinVar aggregate classification (germline): Pathogenic/Likely pathogenic. Review status: criteria provided, multiple submitters, no conflicts (2 of 4 stars). 2 submissions from 2 submitters: Pathogenic (1); Likely pathogenic (1). Last evaluated 2021-06-17.

Conditions:
Neurofibromatosis, type 1 (NF1). Also called: Peripheral type neurofibromatosis; VON RECKLINGHAUSEN DISEASE; Neurofibromatosis, type I; NEUROFIBROMATOSIS, TYPE I, SOMATIC. Identifiers: Orphanet 636, MedGen C0027831, MONDO:0018975, OMIM 162200. Disease mechanism: loss of function.

Submissions (2):

Labcorp Genetics (formerly Invitae), Labcorp
Classification: Pathogenic for Neurofibromatosis, type 1. Last evaluated: 2021-06-17. Review status: criteria provided, single submitter. Criteria: Invitae Variant Classification Sherloc (09022015). Collection method: clinical testing. Allele origin: germline.
Comment: This sequence change affects an acceptor splice site in intron 12 of the NF1 gene. It is expected to disrupt RNA splicing. Variants that disrupt the donor or acceptor splice site typically lead to a loss of protein function (PMID: 16199547), and loss-of-function variants in NF1 are known to be pathogenic (PMID: 10712197, 23913538). This variant is not present in population databases (ExAC no frequency). Disruption of this splice site has been observed in several individuals with clinical features of neurofibromatosis type 1 (Invitae). ClinVar contains an entry for this variant (Variation ID: 571756). Algorithms developed to predict the effect of sequence changes on RNA splicing suggest that this variant may disrupt the consensus splice site, but this prediction has not been confirmed by published transcriptional studies. For these reasons, this variant has been classified as Pathogenic.

Juno Genomics, Hangzhou Juno Genomics, Inc
Classification: Likely pathogenic for Neurofibromatosis, type 1. Review status: criteria provided, single submitter. Criteria: ACMG Guidelines, 2015. Collection method: clinical testing. Allele origin: germline. Affected: yes.
Comment: Absent from controls (or at extremely low frequency if recessive) in Genome Aggregation Database, Exome Sequencing Project, 1000 Genomes Project, or Exome Aggregation Consortium.;Null variant in a gene where loss of function (LOF) is a known mechanism of disease.;Assumed de novo, but without confirmation of paternity and maternity.;Patient's phenotype or family history is highly specific for a disease with a single genetic etiology.

Literature cited by the submitters: PubMed 16199547 (cited by Labcorp Genetics (formerly Invitae), Labcorp); PubMed 10712197 (cited by Labcorp Genetics (formerly Invitae), Labcorp); PubMed 23913538 (cited by Labcorp Genetics (formerly Invitae), Labcorp).

NM_001042492.3(NF1):c.1393-2A>T

Gene: NF1 (neurofibromin 1; plus strand). Cytogenetic location: 17q11.2.
Variant type: single nucleotide variant.
Coding change: c.1393-2A>T on transcript NM_001042492.3 (MANE Select); the canonical splice acceptor site of the intron before coding-DNA position 1393, A replaced by T.
Molecular consequence: splice acceptor variant.
Genome position (GRCh38, 1-based): chr17:31,214,449, A>T. VCF-style: chr17-31214449-A-T. GRCh37 (hg19) VCF-style: chr17-29541467-A-T.
Other names: c.1393-2A>T (NM_000267.4, NM_001128147.3).
Identifiers: ClinVar variation 571756 (VCV000571756.8), dbSNP rs1555612266, ClinGen allele CA399001400.